The following is an entry in ClinVar:

ClinVar aggregate classification (germline): Uncertain significance (1 of 4 stars; one submission).

Conditions:
Cardiovascular phenotype. Identifiers: MedGen CN230736.

Submission:

Ambry Genetics
Classification: Uncertain significance for Cardiovascular phenotype. Last evaluated: 2024-11-03. Review status: criteria provided, single submitter. Criteria: Ambry Variant Classification Scheme 2023. Collection method: clinical testing. Allele origin: germline.
Comment: The p.F260L variant (also known as c.778T>C), located in coding exon 1 of the CHST14 gene, results from a T to C substitution at nucleotide position 778. The phenylalanine at codon 260 is replaced by leucine, an amino acid with highly similar properties. This amino acid position is conserved. In addition, this alteration is predicted to be deleterious by in silico analysis. Since supporting evidence is limited at this time, the clinical significance of this alteration remains unclear.

NM_130468.4(CHST14):c.778T>C (p.Phe260Leu)

Gene: CHST14 (carbohydrate sulfotransferase 14; plus strand). Cytogenetic location: 15q15.1.
Variant type: single nucleotide variant.
Coding change: c.778T>C on transcript NM_130468.4 (MANE Select); coding-DNA position 778, T replaced by C.
Protein change: p.Phe260Leu; replaces phenylalanine 260 with leucine.
Molecular consequence: missense variant.
Genome position (GRCh38, 1-based): chr15:40,471,991, T>C. VCF-style: chr15-40471991-T-C. GRCh37 (hg19) VCF-style: chr15-40764190-T-C.
Other names: short protein forms F260L.
Identifiers: ClinVar variation 1760642 (VCV001760642.3), dbSNP rs2141571094, ClinGen allele CA391767021.